The following is an entry in ClinVar:

ClinVar aggregate classification (germline): Pathogenic (1 of 4 stars; one submission).

Submission:

CeGaT Center for Human Genetics Tuebingen
Classification: Pathogenic. Last evaluated: 2026-03-01. Review status: criteria provided, single submitter. Criteria: CeGaT Center For Human Genetics Tuebingen Variant Classification Criteria Version 2. Collection method: clinical testing. Allele origin: germline. Affected: yes. Observed: 1 variant allele.
Comment: MTM1: PVS1, PM2, PS4:Supporting

NM_000252.3(MTM1):c.880G>T (p.Gly294Ter)

Gene: MTM1 (myotubularin 1; plus strand). Cytogenetic location: Xq28.
Variant type: single nucleotide variant.
Coding change: c.880G>T on transcript NM_000252.3 (MANE Select); coding-DNA position 880, G replaced by T.
Protein change: p.Gly294Ter; replaces glycine 294 with a stop codon.
Molecular consequence: nonsense.
Genome position (GRCh38, 1-based): chrX:150,649,728, G>T. VCF-style: chrX-150649728-G-T. GRCh37 (hg19) VCF-style: chrX-149818201-G-T.
Other names: c.880G>T, p.Gly294Ter (NM_001376906.1, NM_001376908.1); c.769G>T, p.Gly257Ter (NM_001376907.1); short protein forms G257*, G294*.
Identifiers: ClinVar variation 4823841 (VCV004823841.4).